The following is an entry in ClinVar:

ClinVar aggregate classification (germline): Conflicting classifications of pathogenicity. Review status: criteria provided, conflicting classifications (1 of 4 stars). 4 submissions from 4 submitters: Uncertain significance (3); Likely benign (1). Last evaluated 2026-03-21.

Conditions:
Hyper-IgE recurrent infection syndrome 3, autosomal recessive. Also called: Autosomal recessive hyper-IgE syndrome due to ZNF341 deficiency; HYPER-IgE SYNDROME 3, AUTOSOMAL RECESSIVE, WITH RECURRENT INFECTIONS. Identifiers: Orphanet 641368, MedGen C4748969, MONDO:0032654, OMIM 618282.

Allele frequency attached by ClinVar (database versions not stated): ESP Exome Variant Server 0.00100; gnomAD 0.00106 and 0.00110; TOPMed 0.00129; 1000 Genomes Project 0.00260; 1000 Genomes Project 30x 0.00265.
gnomAD v4.1: 360 of 1,573,676 alleles (0.023%); highest among the groups gnomAD compares: African/African-American, 0.37%; 1 homozygote.

Submissions (4):

GeneDx
Classification: Uncertain significance. Last evaluated: 2026-03-21. Review status: criteria provided, single submitter. Criteria: GeneDx Variant Classification Process June 2021. Collection method: clinical testing. Allele origin: germline.
Comment: In silico analysis suggests that this missense variant does not alter protein structure/function; Has not been previously published as pathogenic or benign to our knowledge

Labcorp Genetics (formerly Invitae), Labcorp
Classification: Likely benign. Last evaluated: 2025-12-17. Review status: criteria provided, single submitter. Criteria: Invitae Variant Classification Sherloc (09022015). Collection method: clinical testing. Allele origin: germline.

Blueprint Genetics
Classification: Uncertain significance. Last evaluated: 2024-10-03. Review status: criteria provided, single submitter. Criteria: ACMG Guidelines, 2015. Collection method: clinical testing. Allele origin: germline.

Center for Genomics, Ann and Robert H. Lurie Children's Hospital of Chicago
Classification: Uncertain significance for Hyper-IgE recurrent infection syndrome 3, autosomal recessive. Last evaluated: 2023-01-18. Review status: criteria provided, single submitter. Criteria: ACMG Guidelines, 2015. Collection method: clinical testing. Allele origin: germline.
Comment: This variant has not been reported in the literature but is present in the Genome Aggregation Database (Highest reported MAF 0.3% [144/41478]). This variant is present in ClinVar (Variation ID: 1649563). Evolutionary conservation suggests that this variant may impact the protein, computational prediction tools suggest that this variant may not impact the protein. In summary, data on this variant is insufficient for disease classification. Therefore, the clinical significance of this variant is uncertain.

NM_001282933.2(ZNF341):c.2542G>A (p.Val848Ile)

Genes: ZNF341 (zinc finger protein 341; plus strand), ZNF341-AS1 (ZNF341 antisense RNA 1; minus strand). Cytogenetic location: 20q11.22.
Variant type: single nucleotide variant.
Coding change: c.2542G>A on transcript NM_001282933.2 (MANE Select); coding-DNA position 2542, G replaced by A.
Protein change: p.Val848Ile; replaces valine 848 with isoleucine.
Molecular consequence: missense variant. On other transcripts: non-coding transcript variant (1).
Genome position (GRCh38, 1-based): chr20:33,791,494, G>A. VCF-style: chr20-33791494-G-A. GRCh37 (hg19) VCF-style: chr20-32379300-G-A.
Other names: c.2521G>A (NM_032819.4); c.2272G>A, p.Val758Ile (NM_001282935.2); c.2521G>A, p.Val841Ile (NM_032819.5); short protein forms V758I, V841I, V848I.
Identifiers: ClinVar variation 1649563 (VCV001649563.11), dbSNP rs143727353, ClinGen allele CA9819835.
Genomic context (GRCh38, chr20:33,791,494, plus strand): 5'-CTGGCTCTGGCGGAGCTGCAGGCTGGGGCCGAGGGCCCATGTGCCATGCTCGCTGTGCCC[G>A]TCTACATCCAGGCCTCCGAGTGACGGACCTGAGGTGTCTGTTTCCTGGGCAGGCCTGATG-3'
Protein context (NP_001269862.1, residues 838-854): EGPCAMLAVP[Val848Ile]YIQASE